The following is an entry in ClinVar:

ClinVar aggregate classification (germline): Benign/Likely benign. Review status: criteria provided, multiple submitters, no conflicts (2 of 4 stars). 3 submissions from 3 submitters: Benign (1); Likely benign (1). 1 of the submissions does not count toward it. Last evaluated 2023-04-01.

Conditions:
PVR-related disorder. Also called: PVR-related condition.

Allele frequency attached by ClinVar (database versions not stated): gnomAD exomes 0.00023 and 0.00056; ExAC 0.00057; ESP Exome Variant Server 0.00092; gnomAD 0.00127 and 0.00131; TOPMed 0.00150; 1000 Genomes Project 0.00280; 1000 Genomes Project 30x 0.00281.
gnomAD v4.1: 528 of 1,527,518 alleles (0.035%); highest among the groups gnomAD compares: African/African-American, 0.47%; no homozygotes.

Submissions (3):

CeGaT Center for Human Genetics Tuebingen
Classification: Likely benign. Last evaluated: 2023-04-01. Review status: criteria provided, single submitter. Criteria: CeGaT Center For Human Genetics Tuebingen Variant Classification Criteria Version 2. Collection method: clinical testing. Allele origin: germline. Affected: yes. Observed: 1 variant allele.
Comment: PVR: BP4, BP7

Labcorp Genetics (formerly Invitae), Labcorp
Classification: Benign. Last evaluated: 2018-03-29. Review status: criteria provided, single submitter. Criteria: Invitae Variant Classification Sherloc (09022015). Collection method: clinical testing. Allele origin: germline.

PreventionGenetics, part of Exact Sciences
Classification: Likely benign for PVR-related condition. Last evaluated: 2019-09-17. Review status: no assertion criteria provided. Collection method: clinical testing. Allele origin: germline. Not counted in ClinVar's aggregate classification.
Comment: This variant is classified as likely benign based on ACMG/AMP sequence variant interpretation guidelines (Richards et al. 2015 PMID: 25741868, with internal and published modifications).

NM_006505.5(PVR):c.717C>T (p.Thr239=)

Gene: PVR (PVR cell adhesion molecule; plus strand). Cytogenetic location: 19q13.31.
Variant type: single nucleotide variant.
Coding change: c.717C>T on transcript NM_006505.5 (MANE Select); coding-DNA position 717, C replaced by T.
Protein change: p.Thr239=; no amino-acid change (threonine 239 retained).
Molecular consequence: synonymous variant.
Genome position (GRCh38, 1-based): chr19:44,650,098, C>T. VCF-style: chr19-44650098-C-T. GRCh37 (hg19) VCF-style: chr19-45153370-C-T.
Other names: c.717C>T, p.Thr239= (NM_001135768.3, NM_001135769.3, NM_001135770.4).
Identifiers: ClinVar variation 739035 (VCV000739035.28), dbSNP rs113996429, ClinGen allele CA9502288.